The following is an entry in ClinVar:

NM_138420.4(AHNAK2):c.6495G>T (p.Val2165=)

Gene: AHNAK2 (AHNAK nucleoprotein 2; minus strand). Cytogenetic location: 14q32.33.
Variant type: single nucleotide variant.
Coding change: c.6495G>T on transcript NM_138420.4 (MANE Select); coding-DNA position 6495, G replaced by T.
Protein change: p.Val2165=; no amino-acid change (valine 2165 retained).
Molecular consequence: synonymous variant.
Genome position (GRCh38, 1-based): chr14:104,948,956, C>A on the plus strand (G>T on the coding strand, the complement: AHNAK2 is on the minus strand). VCF-style: chr14-104948956-C-A. GRCh37 (hg19) VCF-style: chr14-105415293-C-A.
Other names: c.6195G>T, p.Val2065= (NM_001350929.2).
Identifiers: ClinVar variation 3905376 (VCV003905376.10).

ClinVar aggregate classification (germline): Likely benign (1 of 4 stars; one submission).

gnomAD v4.1: 21 of 1,238,602 alleles (0.0017%); highest among the groups gnomAD compares: African/African-American, 0.013%; 1 homozygote.

Submission:

CeGaT Center for Human Genetics Tuebingen
Classification: Likely benign. Last evaluated: 2025-06-01. Review status: criteria provided, single submitter. Criteria: CeGaT Center For Human Genetics Tuebingen Variant Classification Criteria Version 2. Collection method: clinical testing. Allele origin: germline. Affected: yes. Observed: 1 variant allele.
Comment: AHNAK2: BP4, BP7